The following is an entry in ClinVar:

NM_000135.4(FANCA):c.2765A>C (p.Glu922Ala)

Gene: FANCA (FA complementation group A; minus strand). Cytogenetic location: 16q24.3.
Variant type: single nucleotide variant.
Coding change: c.2765A>C on transcript NM_000135.4 (MANE Select); coding-DNA position 2765, A replaced by C.
Protein change: p.Glu922Ala; replaces glutamic acid 922 with alanine.
Molecular consequence: missense variant.
Genome position (GRCh38, 1-based): chr16:89,764,903, T>G on the plus strand (A>C on the coding strand, the complement: FANCA is on the minus strand). VCF-style: chr16-89764903-T-G. GRCh37 (hg19) VCF-style: chr16-89831311-T-G.
Other names: c.2765A>C, p.Glu922Ala (NM_001286167.3); short protein forms E922A.
Identifiers: ClinVar variation 1522900 (VCV001522900.6), dbSNP rs899634878, ClinGen allele CA397437913.

ClinVar aggregate classification (germline): Uncertain significance (1 of 4 stars; one submission).

Conditions:
Fanconi anemia (FA). Also called: Fanconi's anemia. Identifiers: Orphanet 84, MedGen C0015625, MeSH D005199, MONDO:0019391.

Submission:

Labcorp Genetics (formerly Invitae), Labcorp
Classification: Uncertain significance for Fanconi anemia. Last evaluated: 2024-04-30. Review status: criteria provided, single submitter. Criteria: Invitae Variant Classification Sherloc (09022015). Collection method: clinical testing. Allele origin: germline.
Comment: This sequence change replaces glutamic acid, which is acidic and polar, with alanine, which is neutral and non-polar, at codon 922 of the FANCA protein (p.Glu922Ala). This variant is not present in population databases (gnomAD no frequency). This variant has not been reported in the literature in individuals affected with FANCA-related conditions. ClinVar contains an entry for this variant (Variation ID: 1522900). Advanced modeling of protein sequence and biophysical properties (such as structural, functional, and spatial information, amino acid conservation, physicochemical variation, residue mobility, and thermodynamic stability) performed at Invitae indicates that this missense variant is expected to disrupt FANCA protein function with a positive predictive value of 80%. In summary, the available evidence is currently insufficient to determine the role of this variant in disease. Therefore, it has been classified as a Variant of Uncertain Significance.